The following is an entry in ClinVar:

ClinVar aggregate classification (germline): Likely benign (1 of 4 stars; one submission).

Allele frequency attached by ClinVar (database versions not stated): ESP Exome Variant Server 0.00008; gnomAD 0.00012; ExAC 0.00016; TOPMed 0.00017; gnomAD exomes 0.00029.
gnomAD v4.1: 429 of 1,611,738 alleles (0.027%); highest among the groups gnomAD compares: Non-Finnish European, 0.036%; 1 homozygote.

Submission:

CeGaT Center for Human Genetics Tuebingen
Classification: Likely benign. Last evaluated: 2022-03-01. Review status: criteria provided, single submitter. Criteria: CeGaT Center For Human Genetics Tuebingen Variant Classification Criteria Version 2. Collection method: clinical testing. Allele origin: germline. Affected: yes. Observed: 1 variant allele.
Comment: PRAG1: BP4, BP7

NM_001080826.3(PRAG1):c.1725T>C (p.Asp575=)

Gene: PRAG1 (PEAK1 related, kinase-activating pseudokinase 1). Cytogenetic location: 8p23.1.
Variant type: single nucleotide variant.
Coding change: c.1725T>C on transcript NM_001080826.3 (MANE Select); coding-DNA position 1725, T replaced by C.
Protein change: p.Asp575=; no amino-acid change (aspartic acid 575 retained).
Molecular consequence: synonymous variant. On other transcripts: non-coding transcript variant (1).
Genome position (GRCh38, 1-based): chr8:8,376,684, A>G on the plus strand (T>C on the coding strand, the complement: PRAG1 is on the minus strand). VCF-style: chr8-8376684-A-G. GRCh37 (hg19) VCF-style: chr8-8234200-A-G.
Other names: c.1725T>C, p.Asp575= (NM_001369759.1).
Identifiers: ClinVar variation 2658370 (VCV002658370.24), dbSNP rs199654083, ClinGen allele CA4617841.